The following is an entry in ClinVar:

ClinVar aggregate classification (germline): Pathogenic (1 of 4 stars; one submission).

Conditions:
Progeroid and marfanoid aspect-lipodystrophy syndrome. Also called: MARFANOID-PROGEROID SYNDROME; MARFAN-PROGEROID-LIPODYSTROPHY SYNDROME; Marfan lipodystrophy syndrome; MARFANOID-PROGEROID-LIPODYSTROPHY SYNDROME. Identifiers: Orphanet 300382, MedGen C4310796, MONDO:0014831, OMIM 616914.

Submission:

Centre for Mendelian Genomics, University Medical Centre Ljubljana
Classification: Pathogenic for Progeroid and marfanoid aspect-lipodystrophy syndrome. Last evaluated: 2016-01-01. Review status: criteria provided, single submitter. Criteria: ACMG Guidelines, 2015. Collection method: clinical testing. Allele origin: unknown. Affected: yes.
Comment: This variant was classified as: Pathogenic. The following ACMG criteria were applied in classifying this variant: PVS1,PM2,PP4.

NM_000138.5(FBN1):c.526dup (p.Gln176fs)

Gene: FBN1 (fibrillin 1; minus strand). Cytogenetic location: 15q21.1.
Variant type: Duplication.
Coding change: c.526dup on transcript NM_000138.5 (MANE Select); coding-DNA position 526, one base duplicated (C; older notation c.526dupC).
Protein change: p.Gln176fs; shifts the reading frame from glutamine 176.
Molecular consequence: frameshift variant.
Genome position (GRCh38, 1-based): chr15:48,596,295, G duplicated on the plus strand (C on the coding strand, the reverse complement: FBN1 is on the minus strand); the first of 4 consecutive G bases (chr15:48,596,295-48,596,298); duplicating any one gives the same sequence. VCF-style (leftmost placement, unchanged base first): chr15-48596294-T-TG. GRCh37 (hg19) VCF-style: chr15-48888491-T-TG.
Other names: short protein forms Q176fs.
Identifiers: ClinVar variation 931484 (VCV000931484.3), dbSNP rs2044514951, ClinGen allele CA1139663963.
Genomic context (GRCh38, chr15:48,596,294, plus strand): 5'-GCTTTAGGTACCAGCATGTCTTTACGTAAATGATTTTAAAAACCATTACCTCTTTCACAC[T>TG]GGGGTCCAGTAAATCCGTAAGTGCATGCACATCGATTTGGGGCCACACACCTTCCTCCAT-3'